The following is an entry in ClinVar:

ClinVar aggregate classification (germline): Uncertain significance. Review status: criteria provided, multiple submitters, no conflicts (2 of 4 stars). 2 submissions from 2 submitters: Uncertain significance (2). Last evaluated 2025-03-22.

Conditions:
Neurodevelopmental disorder. Identifiers: MedGen C1535926, MeSH D065886, MONDO:0700092.
Inborn genetic diseases. Identifiers: MedGen C0950123, MeSH D030342.

Allele frequency attached by ClinVar (database versions not stated): gnomAD exomes below 0.00001.
gnomAD v4.1: 3 of 1,588,956 alleles (0.00019%); highest among the groups gnomAD compares: Non-Finnish European, 0.00026%; no homozygotes.

Submissions (2):

Ambry Genetics
Classification: Uncertain significance for Inborn genetic diseases. Last evaluated: 2025-03-22. Review status: criteria provided, single submitter. Criteria: Ambry Variant Classification Scheme 2023. Collection method: clinical testing. Allele origin: germline.

Molecular Genetics, Royal Melbourne Hospital
Classification: Uncertain significance for Neurodevelopmental disorder. Last evaluated: 2024-01-05. Review status: criteria provided, single submitter. Criteria: ACMG Guidelines, 2015. Collection method: clinical testing. Allele origin: germline. Inheritance: Autosomal dominant inheritance. Affected: yes.
Comment: This sequence change in PTPN4 is predicted to replace isoleucine with threonine at codon 241, p.(Ile241Thr). The isoleucine residue is highly conserved (100 vertebrates, UCSC), and is located in the FERM domain. There is a moderate physicochemical difference between isoleucine and threonine. The highest population minor allele frequency in the population database gnomAD v4.0 is 0.0003% (3/1,099,308 alleles) in the European (non-Finnish) population. To our knowledge, this variant has not been previously reported in the relevant scientific literature or databases. Computational evidence predicts a deleterious effect for the missense substitution (REVEL = 0.902). Based on the classification scheme RMH Modified ACMG/AMP Guidelines v1.6.1, this variant is classified as a VARIANT OF UNCERTAIN SIGNIFICANCE. Following criteria are met: PP3.

NM_002830.4(PTPN4):c.722T>C (p.Ile241Thr)

Gene: PTPN4 (protein tyrosine phosphatase non-receptor type 4; plus strand). Cytogenetic location: 2q14.2.
Variant type: single nucleotide variant.
Coding change: c.722T>C on transcript NM_002830.4 (MANE Select); coding-DNA position 722, T replaced by C.
Protein change: p.Ile241Thr; replaces isoleucine 241 with threonine.
Molecular consequence: missense variant.
Genome position (GRCh38, 1-based): chr2:119,900,764, T>C. VCF-style: chr2-119900764-T-C. GRCh37 (hg19) VCF-style: chr2-120658340-T-C.
Other names: c.722T>C (NM_002830.2); short protein forms I241T.
Identifiers: ClinVar variation 3068597 (VCV003068597.2), dbSNP rs2467016183, ClinGen allele CA348191740.